The following is an entry in ClinVar:

ClinVar aggregate classification (germline): Uncertain significance (1 of 4 stars; one submission).

Submission:

CeGaT Center for Human Genetics Tuebingen
Classification: Uncertain significance. Last evaluated: 2026-02-01. Review status: criteria provided, single submitter. Criteria: CeGaT Center For Human Genetics Tuebingen Variant Classification Criteria Version 2. Collection method: clinical testing. Allele origin: germline. Affected: yes. Observed: 1 variant allele.
Comment: LDHA: PM2, BP4

NM_005566.4(LDHA):c.262A>G (p.Asn88Asp)

Gene: LDHA (lactate dehydrogenase A; plus strand). Cytogenetic location: 11p15.1.
Variant type: single nucleotide variant.
Coding change: c.262A>G on transcript NM_005566.4 (MANE Select); coding-DNA position 262, A replaced by G.
Protein change: p.Asn88Asp; replaces asparagine 88 with aspartic acid.
Molecular consequence: missense variant. On other transcripts: non-coding transcript variant (1), intron variant (1).
Genome position (GRCh38, 1-based): chr11:18,400,854, A>G. VCF-style: chr11-18400854-A-G. GRCh37 (hg19) VCF-style: chr11-18422401-A-G.
Other names: c.349A>G, p.Asn117Asp (NM_001165414.2); c.262A>G, p.Asn88Asp (NM_001165415.2, NM_001165416.2); c.244+1306A>G (NM_001135239.2); short protein forms N117D, N88D.
Identifiers: ClinVar variation 4822722 (VCV004822722.4).